The following is an entry in ClinVar:

ClinVar aggregate classification (germline): Likely benign. Review status: criteria provided, multiple submitters, no conflicts (2 of 4 stars). 6 submissions from 6 submitters: Likely benign (5). 1 of the submissions does not count toward it. Last evaluated 2026-01-31.

Conditions:
Hereditary cancer-predisposing syndrome. Also called: Tumor predisposition; Hereditary Cancer Syndrome; Hereditary neoplastic syndrome; Neoplastic Syndromes, Hereditary. Identifiers: Orphanet 140162, MedGen C0027672, MeSH D009386, MONDO:0015356.
PTCH1-related disorder. Also called: PTCH1-related disorders; PTCH1-related condition.
Gorlin syndrome. Also called: Nevoid Basal Cell Carcinoma Syndrome; Basal cell nevus syndrome. Identifiers: Orphanet 377, MedGen C0004779, MONDO:0007187.

Allele frequency attached by ClinVar (database versions not stated): gnomAD exomes 0.00005 and 0.00008; ExAC 0.00007; gnomAD 0.00018 and 0.00019; TOPMed 0.00019; 1000 Genomes Project 30x 0.00031; 1000 Genomes Project 0.00040.
gnomAD v4.1: 95 of 1,614,166 alleles (0.0059%); highest among the groups gnomAD compares: African/African-American, 0.073%; no homozygotes.

Submissions (6):

Labcorp Genetics (formerly Invitae), Labcorp
Classification: Likely benign for Gorlin syndrome. Last evaluated: 2026-01-31. Review status: criteria provided, single submitter. Criteria: Invitae Variant Classification Sherloc (09022015). Collection method: clinical testing. Allele origin: germline.

Quest Diagnostics Nichols Institute San Juan Capistrano
Classification: Likely benign. Last evaluated: 2025-10-21. Review status: criteria provided, single submitter. Criteria: Quest Diagnostics criteria. Collection method: clinical testing. Allele origin: unknown.

Sema4
Classification: Likely benign for Hereditary cancer-predisposing syndrome. Last evaluated: 2021-05-20. Review status: criteria provided, single submitter. Criteria: Sema4 Curation Guidelines. Collection method: curation. Allele origin: germline.

Ambry Genetics
Classification: Likely benign for Hereditary cancer-predisposing syndrome. Last evaluated: 2020-02-26. Review status: criteria provided, single submitter. Criteria: Ambry Variant Classification Scheme 2023. Collection method: clinical testing. Allele origin: germline.

GeneDx
Classification: Likely benign. Last evaluated: 2019-06-28. Review status: criteria provided, single submitter. Criteria: GeneDx Variant Classification Process June 2021. Collection method: clinical testing. Allele origin: germline. Affected: yes.

PreventionGenetics, part of Exact Sciences
Classification: Likely benign for PTCH1-related condition. Last evaluated: 2024-09-19. Review status: no assertion criteria provided. Collection method: clinical testing. Allele origin: germline. Not counted in ClinVar's aggregate classification.
Comment: This variant is classified as likely benign based on ACMG/AMP sequence variant interpretation guidelines (Richards et al. 2015 PMID: 25741868, with internal and published modifications).

NM_000264.5(PTCH1):c.2044C>T (p.Arg682Cys)

Genes: PTCH1 (patched 1; minus strand), LOC100507346 (uncharacterized LOC100507346; plus strand). Cytogenetic location: 9q22.32.
Variant type: single nucleotide variant.
Coding change: c.2044C>T on transcript NM_000264.5 (MANE Select); coding-DNA position 2044, C replaced by T.
Protein change: p.Arg682Cys; replaces arginine 682 with cysteine.
Molecular consequence: missense variant. On other transcripts: non-coding transcript variant (2).
Genome position (GRCh38, 1-based): chr9:95,468,957, G>A on the plus strand (C>T on the coding strand, the complement: PTCH1 is on the minus strand). VCF-style: chr9-95468957-G-A. GRCh37 (hg19) VCF-style: chr9-98231239-G-A.
Other names: c.1846C>T, p.Arg616Cys (NM_001083602.3); c.2041C>T, p.Arg681Cys (NM_001083603.3); c.1591C>T, p.Arg531Cys (NM_001083604.3, NM_001083605.3, NM_001083606.3 and 1 more transcripts); c.1888C>T, p.Arg630Cys (NM_001354918.2); c.2044C>T (NM_000264.4); short protein forms R616C, R682C, R630C, R531C, R681C.
Identifiers: ClinVar variation 237466 (VCV000237466.20), dbSNP rs570441437, ClinGen allele CA5138459.
Genomic context (GRCh38, chr9:95,468,957, plus strand): 5'-GGCTCTGGCAGCTGAGGGTGTCCTGTGTCACGGTGACGGGCTGCACAGAGATCTCGGAGC[G>A]CGGCTCAGCGGTGGTGTAGTACACGTGCGTGTGGGGGTCGTACTCCGTGCGGAGCTGGAC-3'
Protein context (NP_000255.2, residues 672-692): THVYYTTAEP[Arg682Cys]SEISVQPVTV